The following is an entry in ClinVar:

NM_000219.6(KCNE1):c.345A>C (p.Ile115=)

Gene: KCNE1 (potassium voltage-gated channel subfamily E regulatory subunit 1; minus strand). Cytogenetic location: 21q22.12.
Variant type: single nucleotide variant.
Coding change: c.345A>C on transcript NM_000219.6 (MANE Select); coding-DNA position 345, A replaced by C.
Protein change: p.Ile115=; no amino-acid change (isoleucine 115 retained).
Molecular consequence: synonymous variant.
Genome position (GRCh38, 1-based): chr21:34,449,290, T>G on the plus strand (A>C on the coding strand, the complement: KCNE1 is on the minus strand). VCF-style: chr21-34449290-T-G. GRCh37 (hg19) VCF-style: chr21-35821588-T-G.
Other names: c.345A>C, p.Ile115= (NM_001127668.4, NM_001127669.4, NM_001127670.4 and 4 more transcripts).
Identifiers: ClinVar variation 3373779 (VCV003373779.2).

Conditions:
Long QT syndrome 5 (LQT5). Identifiers: Orphanet 101016, Orphanet 768, MedGen C1867904, MONDO:0013372, OMIM 613695.

Submission:

Roden Lab, Vanderbilt University Medical Center
No classification provided (evidence only). Condition: Long QT syndrome 5. Review status: no classification provided. Collection method: in vitro. Allele origin: not applicable. Functional consequence: Effect on ion channel function.
ClinVar note: "not provided" was previously submitted as the classification for the variant. However, the classification appeared to be based only on an observation of functional data so it was converted to no classification on 2025-07-30.